The following is an entry in ClinVar:

NM_001267550.2(TTN):c.62511T>C (p.Ser20837=)

Genes: TTN (titin; minus strand), TTN-AS1 (TTN antisense RNA 1; plus strand). Cytogenetic location: 2q31.2.
Variant type: single nucleotide variant.
Coding change: c.62511T>C on transcript NM_001267550.2 (MANE Select); coding-DNA position 62511, T replaced by C.
Protein change: p.Ser20837=; no amino-acid change (serine 20837 retained).
Molecular consequence: synonymous variant.
Genome position (GRCh38, 1-based): chr2:178,589,214, A>G on the plus strand (T>C on the coding strand, the complement: TTN is on the minus strand). VCF-style: chr2-178589214-A-G. GRCh37 (hg19) VCF-style: chr2-179453941-A-G.
Other names: c.62511T>C (LRG_391t1); c.57588T>C, p.Ser19196= (NM_001256850.1); c.35316T>C, p.Ser11772= (NM_003319.4); c.54807T>C, p.Ser18269= (NM_133378.4); c.35691T>C, p.Ser11897= (NM_133432.3); c.35892T>C, p.Ser11964= (NM_133437.4).
Identifiers: ClinVar variation 448808 (VCV000448808.26), dbSNP rs369467841, ClinGen allele CA1992219.

ClinVar aggregate classification (germline): Benign/Likely benign. Review status: criteria provided, multiple submitters, no conflicts (2 of 4 stars). 10 submissions from 7 submitters: Benign (6); Likely benign (4). Last evaluated 2026-02-23.

Conditions:
TTN-related disorder. Also called: TTN-related disorders; TTN-related condition; TTN-related disease.
Cardiovascular phenotype. Identifiers: MedGen CN230736.
Dilated cardiomyopathy 1G (CMD1G). Identifiers: Orphanet 154, MedGen C1858763, MONDO:0011400, OMIM 604145.
Autosomal recessive limb-girdle muscular dystrophy type 2J (LGMDR10). Also called: Limb-girdle muscular dystrophy, type 2J; MUSCULAR DYSTROPHY, LIMB-GIRDLE, AUTOSOMAL RECESSIVE 10. Identifiers: Orphanet 140922, MedGen C1837342, MONDO:0012127, OMIM 608807.
Myopathy, myofibrillar, 9, with early respiratory failure (MFM9). Also called: MYOPATHY, PROXIMAL, WITH EARLY RESPIRATORY MUSCLE INVOLVEMENT; Myopathy, distal, with early respiratory failure, autosomal dominant; Hereditary myopathy with early respiratory failure; EDSTROM MYOPATHY. Identifiers: Orphanet 178464, Orphanet 34521, MedGen C1863599, MONDO:0011362, OMIM 603689.
Early-onset myopathy with fatal cardiomyopathy (CMYO5). Also called: CONGENITAL MYOPATHY 5 WITH CARDIOMYOPATHY; Salih Myopathy. Identifiers: Orphanet 289377, MedGen C2673677, MONDO:0012714, OMIM 611705. Disease mechanism: loss of function.
Tibial muscular dystrophy (TMD). Also called: Udd Distal Myopathy – Tibial Muscular Dystrophy; Tibial muscular dystrophy, tardive; UDD MYOPATHY. Identifiers: Orphanet 609, MedGen C1838244, MONDO:0010870, OMIM 600334.

Allele frequency attached by ClinVar (database versions not stated): gnomAD exomes 0.00002 and 0.00006; ExAC 0.00009; ESP Exome Variant Server 0.00025; gnomAD 0.00025 and 0.00027; TOPMed 0.00031; 1000 Genomes Project 0.00040; 1000 Genomes Project 30x 0.00047.
gnomAD v4.1: 71 of 1,613,468 alleles (0.0044%); highest among the groups gnomAD compares: African/African-American, 0.069%; no homozygotes.

Submissions (10):

PreventionGenetics, part of Exact Sciences
Classification: Likely benign for TTN-related condition. Last evaluated: 2026-02-23. Review status: criteria provided, single submitter. Criteria: ACMG Guidelines, 2015. Collection method: clinical testing. Allele origin: germline.
Comment: This variant is classified as likely benign based on ACMG/AMP sequence variant interpretation guidelines (Richards et al. 2015 PMID: 25741868, with internal and published modifications).

Labcorp Genetics (formerly Invitae), Labcorp
Classification: Benign for Dilated cardiomyopathy 1G; Autosomal recessive limb-girdle muscular dystrophy type 2J. Last evaluated: 2026-02-03. Review status: criteria provided, single submitter. Criteria: Invitae Variant Classification Sherloc (09022015). Collection method: clinical testing. Allele origin: germline.

CeGaT Center for Human Genetics Tuebingen
Classification: Likely benign. Last evaluated: 2025-09-01. Review status: criteria provided, single submitter. Criteria: CeGaT Center For Human Genetics Tuebingen Variant Classification Criteria Version 2. Collection method: clinical testing. Allele origin: germline. Affected: yes. Observed: 1 variant allele.
Comment: TTN: BP4, BP7

Genome-Nilou Lab
Classification: Benign for Autosomal recessive limb-girdle muscular dystrophy type 2J. Last evaluated: 2021-09-10. Review status: criteria provided, single submitter. Criteria: ACMG Guidelines, 2015. Collection method: clinical testing. Allele origin: germline. Affected: no.

Genome-Nilou Lab
Classification: Benign for Myopathy, myofibrillar, 9, with early respiratory failure. Last evaluated: 2021-09-10. Review status: criteria provided, single submitter. Criteria: ACMG Guidelines, 2015. Collection method: clinical testing. Allele origin: germline. Affected: no.

Genome-Nilou Lab
Classification: Benign for Early-onset myopathy with fatal cardiomyopathy. Last evaluated: 2021-09-10. Review status: criteria provided, single submitter. Criteria: ACMG Guidelines, 2015. Collection method: clinical testing. Allele origin: germline. Affected: no.

Genome-Nilou Lab
Classification: Benign for Tibial muscular dystrophy. Last evaluated: 2021-09-10. Review status: criteria provided, single submitter. Criteria: ACMG Guidelines, 2015. Collection method: clinical testing. Allele origin: germline. Affected: no.

GeneDx
Classification: Likely benign. Last evaluated: 2020-11-17. Review status: criteria provided, single submitter. Criteria: GeneDx Variant Classification Process June 2021. Collection method: clinical testing. Allele origin: germline. Affected: yes.

Ambry Genetics
Classification: Benign for Cardiovascular phenotype. Last evaluated: 2020-07-02. Review status: criteria provided, single submitter. Criteria: Ambry Variant Classification Scheme 2023. Collection method: clinical testing. Allele origin: germline.

Athena Diagnostics
Classification: Likely benign. Last evaluated: 2017-06-07. Review status: criteria provided, single submitter. Criteria: Athena Diagnostics Criteria. Collection method: clinical testing. Allele origin: germline.